The following is an entry in ClinVar:

NM_020921.4(NIN):c.744A>T (p.Lys248Asn)

Gene: NIN (ninein; minus strand). Cytogenetic location: 14q22.1.
Variant type: single nucleotide variant.
Coding change: c.744A>T on transcript NM_020921.4 (MANE Select); coding-DNA position 744, A replaced by T.
Protein change: p.Lys248Asn; replaces lysine 248 with asparagine.
Molecular consequence: missense variant.
Genome position (GRCh38, 1-based): chr14:50,773,018, T>A on the plus strand (A>T on the coding strand, the complement: NIN is on the minus strand). VCF-style: chr14-50773018-T-A. GRCh37 (hg19) VCF-style: chr14-51239736-T-A.
Other names: c.744A>T, p.Lys248Asn (NM_016350.5, NM_182944.3, NM_182946.2); short protein forms K248N.
Identifiers: ClinVar variation 3653852 (VCV003653852.2).

ClinVar aggregate classification (germline): Uncertain significance (1 of 4 stars; one submission).

Submission:

Labcorp Genetics (formerly Invitae), Labcorp
Classification: Uncertain significance. Last evaluated: 2024-06-06. Review status: criteria provided, single submitter. Criteria: Invitae Variant Classification Sherloc (09022015). Collection method: clinical testing. Allele origin: germline.
Comment: This sequence change replaces lysine, which is basic and polar, with asparagine, which is neutral and polar, at codon 248 of the NIN protein (p.Lys248Asn). This variant is not present in population databases (gnomAD no frequency). This variant has not been reported in the literature in individuals affected with NIN-related conditions. An algorithm developed to predict the effect of missense changes on protein structure and function (PolyPhen-2) suggests that this variant is likely to be disruptive. In summary, the available evidence is currently insufficient to determine the role of this variant in disease. Therefore, it has been classified as a Variant of Uncertain Significance.